The following is an entry in ClinVar:

ClinVar aggregate classification (germline): Uncertain significance. Review status: criteria provided, multiple submitters, no conflicts (2 of 4 stars). 2 submissions from 2 submitters: Uncertain significance (2). Last evaluated 2024-11-12.

Conditions:
Inborn genetic diseases. Identifiers: MedGen C0950123, MeSH D030342.
Autosomal dominant childhood-onset proximal spinal muscular atrophy with contractures (SMALED2A). Also called: SPINAL MUSCULAR ATROPHY, LOWER EXTREMITY-PREDOMINANT, 2A, CHILDHOOD ONSET, AUTOSOMAL DOMINANT; Spinal muscular atrophy, lower extremity-predominant, 2A, autosomal dominant. Identifiers: Orphanet 363447, Orphanet 363454, MedGen C4747715, MONDO:0014121, OMIM 615290.

Allele frequency attached by ClinVar (database versions not stated): ExAC 0.00001.
gnomAD v4.1: 3 of 1,614,212 alleles (0.00019%); highest among the groups gnomAD compares: African/African-American, 0.0013%; no homozygotes.

Submissions (2):

Ambry Genetics
Classification: Uncertain significance for Inborn genetic diseases. Last evaluated: 2024-11-12. Review status: criteria provided, single submitter. Criteria: Ambry Variant Classification Scheme 2023. Collection method: clinical testing. Allele origin: germline.

Labcorp Genetics (formerly Invitae), Labcorp
Classification: Uncertain significance for Autosomal dominant childhood-onset proximal spinal muscular atrophy with contractures. Last evaluated: 2021-07-20. Review status: criteria provided, single submitter. Criteria: Invitae Variant Classification Sherloc (09022015). Collection method: clinical testing. Allele origin: germline.
Comment: Advanced modeling of protein sequence and biophysical properties (such as structural, functional, and spatial information, amino acid conservation, physicochemical variation, residue mobility, and thermodynamic stability) performed at Invitae indicates that this missense variant is expected to disrupt BICD2 protein function. In summary, the available evidence is currently insufficient to determine the role of this variant in disease. Therefore, it has been classified as a Variant of Uncertain Significance. This sequence change replaces glycine with arginine at codon 431 of the BICD2 protein (p.Gly431Arg). The glycine residue is moderately conserved and there is a moderate physicochemical difference between glycine and arginine. The frequency data for this variant in the population databases is considered unreliable, as metrics indicate poor data quality at this position in the ExAC database. This variant has not been reported in the literature in individuals affected with BICD2-related conditions.

NM_001003800.2(BICD2):c.1291G>A (p.Gly431Arg)

Gene: BICD2 (BICD cargo adaptor 2; minus strand). Cytogenetic location: 9q22.31.
Variant type: single nucleotide variant.
Coding change: c.1291G>A on transcript NM_001003800.2 (MANE Select); coding-DNA position 1291, G replaced by A.
Protein change: p.Gly431Arg; replaces glycine 431 with arginine.
Molecular consequence: missense variant.
Genome position (GRCh38, 1-based): chr9:92,719,354, C>T on the plus strand (G>A on the coding strand, the complement: BICD2 is on the minus strand). VCF-style: chr9-92719354-C-T. GRCh37 (hg19) VCF-style: chr9-95481636-C-T.
Other names: c.1291G>A, p.Gly431Arg (NM_015250.4); c.1291G>A (NM_001003800.1); short protein forms G431R.
Identifiers: ClinVar variation 1353813 (VCV001353813.9), dbSNP rs780600581, ClinGen allele CA5126590.